The following is an entry in ClinVar:

ClinVar aggregate classification (germline): Likely benign (1 of 4 stars; one submission).

Submission:

CeGaT Center for Human Genetics Tuebingen
Classification: Likely benign. Last evaluated: 2025-06-01. Review status: criteria provided, single submitter. Criteria: CeGaT Center For Human Genetics Tuebingen Variant Classification Criteria Version 2. Collection method: clinical testing. Allele origin: germline. Affected: yes. Observed: 1 variant allele.
Comment: PIGF: PM2:Supporting, BP4, BP7

NM_002643.4(PIGF):c.216A>T (p.Ser72=)

Gene: PIGF (phosphatidylinositol glycan anchor biosynthesis class F; minus strand). Cytogenetic location: 2p21.
Variant type: single nucleotide variant.
Coding change: c.216A>T on transcript NM_002643.4 (MANE Select); coding-DNA position 216, A replaced by T.
Protein change: p.Ser72=; no amino-acid change (serine 72 retained).
Molecular consequence: synonymous variant.
Genome position (GRCh38, 1-based): chr2:46,614,949, T>A on the plus strand (A>T on the coding strand, the complement: PIGF is on the minus strand). VCF-style: chr2-46614949-T-A. GRCh37 (hg19) VCF-style: chr2-46842088-T-A.
Other names: c.216A>T, p.Ser72= (NM_173074.3).
Identifiers: ClinVar variation 3906014 (VCV003906014.10).
Genomic context (GRCh38, chr2:46,614,949, plus strand): 5'-GAAACACTAGCTCCATCCAAAAATCAGTTATTGAGACATAAGCCTTACCTTGTGTGATAA[T>A]GAACTTCTTTTAGAGGATGTATTTGGTTTCACTACTAAATATAGTACTAGATTGACAGCA-3'
Protein context (NP_002634.1, residues 62-82): VKPNTSSKRS[Ser72=]LSHKVTGFLK